The following is an entry in ClinVar:

ClinVar aggregate classification (germline): Uncertain significance (1 of 4 stars; one submission).

gnomAD v4.1: 2 of 1,612,104 alleles (0.00012%); highest among the groups gnomAD compares: East Asian, 0.0022%; no homozygotes.

Submission:

GeneDx
Classification: Uncertain significance. Last evaluated: 2024-05-24. Review status: criteria provided, single submitter. Criteria: GeneDx Variant Classification Process June 2021. Collection method: clinical testing. Allele origin: germline. Affected: yes.
Comment: Not observed at significant frequency in large population cohorts (gnomAD); In silico analysis indicates that this missense variant does not alter protein structure/function; Has not been previously published as pathogenic or benign to our knowledge

NM_006180.6(NTRK2):c.424G>A (p.Glu142Lys)

Gene: NTRK2 (neurotrophic receptor tyrosine kinase 2; plus strand). Cytogenetic location: 9q21.33.
Variant type: single nucleotide variant.
Coding change: c.424G>A on transcript NM_006180.6 (MANE Select); coding-DNA position 424, G replaced by A.
Protein change: p.Glu142Lys; replaces glutamic acid 142 with lysine.
Molecular consequence: missense variant. On other transcripts: 5 prime UTR variant (5).
Genome position (GRCh38, 1-based): chr9:84,707,908, G>A. VCF-style: chr9-84707908-G-A. GRCh37 (hg19) VCF-style: chr9-87322823-G-A.
Other names: c.424G>A, p.Glu142Lys (NM_001007097.3, NM_001018064.3, NM_001018065.2 and 18 more transcripts); c.-45G>A (NM_001369535.1, NM_001369536.1, NM_001369550.1 and 2 more transcripts); short protein forms E142K.
Identifiers: ClinVar variation 3383663 (VCV003383663.1).